The following is an entry in ClinVar:

NM_001365999.1(SZT2):c.6665T>C (p.Leu2222Pro)

Gene: SZT2 (SZT2 subunit of KICSTOR complex; plus strand). Cytogenetic location: 1p34.2.
Variant type: single nucleotide variant.
Coding change: c.6665T>C on transcript NM_001365999.1 (MANE Select); coding-DNA position 6665, T replaced by C.
Protein change: p.Leu2222Pro; replaces leucine 2222 with proline.
Molecular consequence: missense variant.
Genome position (GRCh38, 1-based): chr1:43,438,966, T>C. VCF-style: chr1-43438966-T-C. GRCh37 (hg19) VCF-style: chr1-43904637-T-C.
Other names: c.6494T>C, p.Leu2165Pro (NM_015284.4); short protein forms L2165P, L2222P.
Identifiers: ClinVar variation 643545 (VCV000643545.9), dbSNP rs1570702012, ClinGen allele CA340031596.

ClinVar aggregate classification (germline): Uncertain significance. Review status: criteria provided, multiple submitters, no conflicts (2 of 4 stars). 2 submissions from 2 submitters: Uncertain significance (2). Last evaluated 2024-07-27.

Allele frequency attached by ClinVar (database versions not stated): TOPMed below 0.00001; gnomAD 0.00001.
gnomAD v4.1: 1 of 1,614,112 alleles (0.000062%); highest among the groups gnomAD compares: African/African-American, 0.0013%; no homozygotes.

Submissions (2):

GeneDx
Classification: Uncertain significance. Last evaluated: 2024-07-27. Review status: criteria provided, single submitter. Criteria: GeneDx Variant Classification Process June 2021. Collection method: clinical testing. Allele origin: germline. Affected: yes.
Comment: Not observed at significant frequency in large population cohorts (gnomAD); In silico analysis supports that this missense variant has a deleterious effect on protein structure/function; Has not been previously published as pathogenic or benign to our knowledge

Labcorp Genetics (formerly Invitae), Labcorp
Classification: Uncertain significance. Last evaluated: 2018-10-12. Review status: criteria provided, single submitter. Criteria: Invitae Variant Classification Sherloc (09022015). Collection method: clinical testing. Allele origin: germline.
Comment: In summary, the available evidence is currently insufficient to determine the role of this variant in disease. Therefore, it has been classified as a Variant of Uncertain Significance. Algorithms developed to predict the effect of missense changes on protein structure and function are either unavailable or do not agree on the potential impact of this missense change (SIFT: "Tolerated"; PolyPhen-2: "Probably Damaging"; Align-GVGD: "Class C15"). This sequence change replaces leucine with proline at codon 2165 of the SZT2 protein (p.Leu2165Pro). The leucine residue is highly conserved and there is a moderate physicochemical difference between leucine and proline. This variant is not present in population databases (ExAC no frequency). This variant has not been reported in the literature in individuals with SZT2-related disease.